The following is an entry in ClinVar:

NM_003482.4(KMT2D):c.14795C>G (p.Pro4932Arg)

Gene: KMT2D (lysine methyltransferase 2D; minus strand). Cytogenetic location: 12q13.12.
Variant type: single nucleotide variant.
Coding change: c.14795C>G on transcript NM_003482.4 (MANE Select); coding-DNA position 14795, C replaced by G.
Protein change: p.Pro4932Arg; replaces proline 4932 with arginine.
Molecular consequence: missense variant.
Genome position (GRCh38, 1-based): chr12:49,027,171, G>C on the plus strand (C>G on the coding strand, the complement: KMT2D is on the minus strand). VCF-style: chr12-49027171-G-C. GRCh37 (hg19) VCF-style: chr12-49420954-G-C.
Other names: short protein forms P4932R.
Identifiers: ClinVar variation 3701303 (VCV003701303.2).

ClinVar aggregate classification (germline): Uncertain significance (1 of 4 stars; one submission).

Conditions:
Kabuki syndrome. Also called: NIIKAWA-KUROKI SYNDROME; Kabuki make-up syndrome. Identifiers: Orphanet 2322, MedGen C0796004, MONDO:0016512.

Submission:

Labcorp Genetics (formerly Invitae), Labcorp
Classification: Uncertain significance for Kabuki syndrome. Last evaluated: 2024-09-18. Review status: criteria provided, single submitter. Criteria: Invitae Variant Classification Sherloc (09022015). Collection method: clinical testing. Allele origin: germline.
Comment: This sequence change replaces proline, which is neutral and non-polar, with arginine, which is basic and polar, at codon 4932 of the KMT2D protein (p.Pro4932Arg). This variant is not present in population databases (gnomAD no frequency). This variant has not been reported in the literature in individuals affected with KMT2D-related conditions. Invitae Evidence Modeling of protein sequence and biophysical properties (such as structural, functional, and spatial information, amino acid conservation, physicochemical variation, residue mobility, and thermodynamic stability) indicates that this missense variant is not expected to disrupt KMT2D protein function with a negative predictive value of 95%. In summary, the available evidence is currently insufficient to determine the role of this variant in disease. Therefore, it has been classified as a Variant of Uncertain Significance.